The following is an entry in ClinVar:

ClinVar aggregate classification (germline): Uncertain significance. Review status: criteria provided, multiple submitters, no conflicts (2 of 4 stars). 2 submissions from 2 submitters: Uncertain significance (2). Last evaluated 2024-05-11.

Conditions:
Congenital generalized lipodystrophy type 2 (CGL2). Also called: SEIP SYNDROME; BERARDINELLI SYNDROME; BRUNZELL SYNDROME, BSCL2-RELATED; Berardinelli-Seip Congenital Lipodystrophy Type 2. Identifiers: Orphanet 528, Orphanet 696289, MedGen C1720863, MONDO:0010020, OMIM 269700.
Severe neurodegenerative syndrome with lipodystrophy. Also called: ENCEPHALOPATHY, PROGRESSIVE, WITH LIPODYSTROPHY; Encephalopathy, progressive, with or without lipodystrophy. Identifiers: Orphanet 363400, MedGen C4014700, MONDO:0014402, OMIM 615924.
Hereditary spastic paraplegia 17. Also called: Silver spastic paraplegia syndrome; SPASTIC PARAPLEGIA WITH AMYOTROPHY OF HANDS AND FEET; Spastic Paraplegia 17; Autosomal dominant spastic paraplegia type 17; Silver Syndrome. Identifiers: Orphanet 100998, MedGen C2931276, MONDO:0010043, OMIM 270685.
Neuronopathy, distal hereditary motor, type 5C. Also called: NEURONOPATHY, DISTAL HEREDITARY MOTOR, AUTOSOMAL DOMINANT 13; DHMN VC; NEURONOPATHY, DISTAL HEREDITARY MOTOR, HARDING TYPE VC; NEUROPATHY, DISTAL HEREDITARY MOTOR, HARDING TYPE VC; SPINAL MUSCULAR ATROPHY, DISTAL, HARDING TYPE VC. Identifiers: MedGen C5436838, MONDO:0030860, OMIM 619112.
Charcot-Marie-Tooth disease type 2. Also called: Charcot-Marie-Tooth type 2. Identifiers: Orphanet 64746, MedGen C0270914, MONDO:0018993.

Allele frequency attached by ClinVar (database versions not stated): ESP Exome Variant Server 0.00008.
gnomAD v4.1: 23 of 1,613,830 alleles (0.0014%); highest among the groups gnomAD compares: South Asian, 0.011%; no homozygotes.

Submissions (2):

Fulgent Genetics
Classification: Uncertain significance for Congenital generalized lipodystrophy type 2; Hereditary spastic paraplegia 17; Severe neurodegenerative syndrome with lipodystrophy; Neuronopathy, distal hereditary motor, type 5C. Last evaluated: 2024-05-11. Review status: criteria provided, single submitter. Criteria: ACMG Guidelines, 2015. Collection method: clinical testing. Allele origin: germline.

Labcorp Genetics (formerly Invitae), Labcorp
Classification: Uncertain significance for Charcot-Marie-Tooth disease type 2. Last evaluated: 2024-03-23. Review status: criteria provided, single submitter. Criteria: Invitae Variant Classification Sherloc (09022015). Collection method: clinical testing. Allele origin: germline.
Comment: This sequence change affects codon 146 of the BSCL2 mRNA. It is a 'silent' change, meaning that it does not change the encoded amino acid sequence of the BSCL2 protein. This variant also falls at the last nucleotide of exon 4, which is part of the consensus splice site for this exon. This variant is present in population databases (rs150158560, gnomAD 0.01%). This variant has not been reported in the literature in individuals affected with BSCL2-related conditions. ClinVar contains an entry for this variant (Variation ID: 660998). Variants that disrupt the consensus splice site are a relatively common cause of aberrant splicing (PMID: 17576681, 9536098). Algorithms developed to predict the effect of sequence changes on RNA splicing suggest that this variant is not likely to affect RNA splicing. In summary, the available evidence is currently insufficient to determine the role of this variant in disease. Therefore, it has been classified as a Variant of Uncertain Significance.

Literature cited by the submitters: PubMed 17576681 (cited by Labcorp Genetics (formerly Invitae), Labcorp); PubMed 9536098 (cited by Labcorp Genetics (formerly Invitae), Labcorp).

NM_001122955.4(BSCL2):c.630G>A (p.Ser210=)

Genes: BSCL2 (BSCL2 lipid droplet biogenesis associated, seipin; minus strand), HNRNPUL2-BSCL2 (HNRNPUL2-BSCL2 readthrough (NMD candidate); minus strand). Cytogenetic location: 11q12.3.
Variant type: single nucleotide variant.
Coding change: c.630G>A on transcript NM_001122955.4 (MANE Select); coding-DNA position 630, G replaced by A.
Protein change: p.Ser210=; no amino-acid change (serine 210 retained).
Molecular consequence: synonymous variant. On other transcripts: non-coding transcript variant (1).
Genome position (GRCh38, 1-based): chr11:62,694,568, C>T on the plus strand (G>A on the coding strand, the complement: BSCL2 is on the minus strand). VCF-style: chr11-62694568-C-T. GRCh37 (hg19) VCF-style: chr11-62462040-C-T.
Other names: c.438G>A, p.Ser146= (NM_001130702.2, NM_032667.6); c.630G>A, p.Ser210= (NM_001386027.1, NM_001386028.1).
Identifiers: ClinVar variation 660998 (VCV000660998.9), dbSNP rs150158560, ClinGen allele CA6053515.